The following is an entry in ClinVar:

ClinVar aggregate classification (germline): Likely benign (1 of 4 stars; one submission).

Conditions:
Sessile serrated polyposis cancer syndrome (SSPCS). Identifiers: Orphanet 157798, MedGen C4310714, MONDO:0014919, OMIM 617108.

Submission:

Myriad Genetics, Inc.
Classification: Likely benign for Sessile serrated polyposis cancer syndrome. Last evaluated: 2026-06-26. Review status: criteria provided, single submitter. Criteria: Myriad Autosomal Dominant, Autosomal Recessive and X-Linked Classification Criteria (2023). Collection method: clinical testing. Allele origin: unknown.
Comment: This variant is considered likely benign. This variant is intronic and is not expected to impact mRNA splicing.

NM_017763.6(RNF43):c.2309-11dup

Gene: RNF43 (ring finger protein 43; minus strand). Cytogenetic location: 17q22.
Variant type: Duplication.
Coding change: c.2309-11dup on transcript NM_017763.6 (MANE Select); 11 bases into the intron before coding-DNA position 2309, one base duplicated (T; older notation c.2309-11dupT).
Molecular consequence: intron variant.
Genome position (GRCh38, 1-based): chr17:58,354,997, A duplicated on the plus strand (T on the coding strand, the reverse complement: RNF43 is on the minus strand). VCF-style (leftmost placement, unchanged base first): chr17-58354996-G-GA. GRCh37 (hg19) VCF-style: chr17-56432357-G-GA.
Other names: c.2309-11dup (NM_001438822.1, NM_001305544.3); c.1928-11dup (NM_001305545.2).
Identifiers: ClinVar variation 4875705 (VCV004875705.1).
Genomic context (GRCh38, chr17:58,354,996, plus strand): 5'-GAACATCTCACACAGCCTGTTCACACAGCTCCTCGAGTTCCTCCTCTGAGCCTGTATTTA[G>GA]AGAGCGGGGAGGAAAGAGGTCATTGAGGGTCAGGCCAGGGACCTGCTTCTCTCGCCTGCA-3'